The following is an entry in ClinVar:

NM_198271.5(LMOD3):c.1268G>C (p.Gly423Ala)

Gene: LMOD3 (leiomodin 3; minus strand). Cytogenetic location: 3p14.1.
Variant type: single nucleotide variant.
Coding change: c.1268G>C on transcript NM_198271.5 (MANE Select); coding-DNA position 1268, G replaced by C.
Protein change: p.Gly423Ala; replaces glycine 423 with alanine.
Molecular consequence: missense variant.
Genome position (GRCh38, 1-based): chr3:69,119,087, C>G on the plus strand (G>C on the coding strand, the complement: LMOD3 is on the minus strand). VCF-style: chr3-69119087-C-G. GRCh37 (hg19) VCF-style: chr3-69168238-C-G.
Other names: c.1268G>C, p.Gly423Ala (NM_001304418.3); short protein forms G423A.
Identifiers: ClinVar variation 1989060 (VCV001989060.4), dbSNP rs778368499, ClinGen allele CA2488827.
Genomic context (GRCh38, chr3:69,119,087, plus strand): 5'-ATTCTGGAATCTGGCTTGGGTCCTCCCAACAGCTCCCACATCCCAGGGGGCAGCCCCAAC[C>G]CATTCTCTAACATGGCTATCAGCTTCTTCTGTTCCTTGAGTTGCTGCTGTTTTTGCTCTT-3'
Protein context (NP_938012.2, residues 413-433): QKKLIAMLEN[Gly423Ala]LGLPPGMWEL

ClinVar aggregate classification (germline): Uncertain significance (1 of 4 stars; one submission).

Conditions:
Nemaline myopathy 10 (NEM10). Identifiers: MedGen C4015360, MONDO:0014513, OMIM 616165.

Allele frequency attached by ClinVar (database versions not stated): ExAC 0.00001.
gnomAD v4.1: 1 of 1,613,756 alleles (0.000062%); highest among the groups gnomAD compares: Non-Finnish European, 0.000085%; no homozygotes.

Submission:

Labcorp Genetics (formerly Invitae), Labcorp
Classification: Uncertain significance for Nemaline myopathy 10. Last evaluated: 2022-08-22. Review status: criteria provided, single submitter. Criteria: Invitae Variant Classification Sherloc (09022015). Collection method: clinical testing. Allele origin: germline.
Comment: In summary, the available evidence is currently insufficient to determine the role of this variant in disease. Therefore, it has been classified as a Variant of Uncertain Significance. Algorithms developed to predict the effect of missense changes on protein structure and function (SIFT, PolyPhen-2, Align-GVGD) all suggest that this variant is likely to be tolerated. This variant has not been reported in the literature in individuals affected with LMOD3-related conditions. This variant is not present in population databases (gnomAD no frequency). This sequence change replaces glycine, which is neutral and non-polar, with alanine, which is neutral and non-polar, at codon 423 of the LMOD3 protein (p.Gly423Ala).